The following is an entry in ClinVar:

ClinVar aggregate classification (germline): Likely benign. Review status: criteria provided, multiple submitters, no conflicts (2 of 4 stars). 7 submissions from 7 submitters: Likely benign (3). 4 of the submissions do not count toward it. Last evaluated 2025-12-29.

Conditions:
Left ventricular noncompaction 8 (LVNC8). Identifiers: Orphanet 154, Orphanet 54260, MedGen C3809288, MONDO:0014152, OMIM 615373.

Allele frequency attached by ClinVar (database versions not stated): ExAC 0.00007; ESP Exome Variant Server 0.00008; TOPMed 0.00008; gnomAD exomes 0.00011 and 0.00028; gnomAD 0.00013.
gnomAD v4.1: 419 of 1,612,088 alleles (0.026%); highest among the groups gnomAD compares: Middle Eastern, 0.033%; no homozygotes.

Submissions (7):

Labcorp Genetics (formerly Invitae), Labcorp
Classification: Likely benign for Left ventricular noncompaction 8. Last evaluated: 2025-12-29. Review status: criteria provided, single submitter. Criteria: Invitae Variant Classification Sherloc (09022015). Collection method: clinical testing. Allele origin: germline.

CeGaT Center for Human Genetics Tuebingen
Classification: Likely benign. Last evaluated: 2025-02-01. Review status: criteria provided, single submitter. Criteria: CeGaT Center For Human Genetics Tuebingen Variant Classification Criteria Version 2. Collection method: clinical testing. Allele origin: germline. Affected: yes. Observed: 1 variant allele.
Comment: PRDM16: BP4, BP7

Blueprint Genetics
Classification: Likely benign. Last evaluated: 2024-06-05. Review status: criteria provided, single submitter. Criteria: ACMG Guidelines, 2015. Collection method: clinical testing. Allele origin: germline.

Clinical Genetics DNA and cytogenetics Diagnostics Lab, Erasmus MC, Erasmus Medical Center
Classification: Likely benign. Review status: no assertion criteria provided. Collection method: clinical testing. Allele origin: germline. Affected: yes. Study: VKGL Data-share Consensus. Not counted in ClinVar's aggregate classification.

Clinical Genetics, Academic Medical Center
Classification: Benign. Review status: no assertion criteria provided. Collection method: clinical testing. Allele origin: germline. Affected: yes. Study: VKGL Data-share Consensus. Not counted in ClinVar's aggregate classification.

Diagnostic Laboratory, Department of Genetics, University Medical Center Groningen
Classification: Likely benign. Review status: no assertion criteria provided. Collection method: clinical testing. Allele origin: germline. Affected: yes. Study: VKGL Data-share Consensus. Not counted in ClinVar's aggregate classification.

Joint Genome Diagnostic Labs from Nijmegen and Maastricht, Radboudumc and MUMC+
Classification: Likely benign. Review status: no assertion criteria provided. Collection method: clinical testing. Allele origin: germline. Affected: yes. Study: VKGL Data-share Consensus. Not counted in ClinVar's aggregate classification.

NM_022114.4(PRDM16):c.1668G>A (p.Leu556=)

Gene: PRDM16 (PR/SET domain 16; plus strand). Cytogenetic location: 1p36.32.
Variant type: single nucleotide variant.
Coding change: c.1668G>A on transcript NM_022114.4 (MANE Select); coding-DNA position 1668, G replaced by A.
Protein change: p.Leu556=; no amino-acid change (leucine 556 retained).
Molecular consequence: synonymous variant.
Genome position (GRCh38, 1-based): chr1:3,411,865, G>A. VCF-style: chr1-3411865-G-A. GRCh37 (hg19) VCF-style: chr1-3328429-G-A.
Other names: c.1668G>A, p.Leu556= (NM_199454.3).
Identifiers: ClinVar variation 474409 (VCV000474409.27), dbSNP rs372910329, ClinGen allele CA544246.